The following is an entry in ClinVar:

ClinVar aggregate classification (germline): Uncertain significance (1 of 4 stars; one submission).

Conditions:
Renal carnitine transport defect (CDSP). Also called: Systemic primary carnitine deficiency; Systemic primary carnitine deficiency disease; CARNITINE DEFICIENCY, SYSTEMIC, DUE TO DEFECT IN RENAL REABSORPTION OF CARNITINE; CARNITINE TRANSPORTER, PLASMA-MEMBRANE, DEFICIENCY OF; CARNITINE UPTAKE DEFECT; Carnitine Deficiency, Systemic. Identifiers: Orphanet 158, MedGen C0342788, MONDO:0008919, OMIM 212140.

Allele frequency attached by ClinVar (database versions not stated): TOPMed 0.00002; gnomAD 0.00003 and 0.00004.
gnomAD v4.1: 5 of 1,614,040 alleles (0.00031%); highest among the groups gnomAD compares: African/African-American, 0.0067%; no homozygotes.

Submission:

Labcorp Genetics (formerly Invitae), Labcorp
Classification: Uncertain significance for Renal carnitine transport defect. Last evaluated: 2023-11-13. Review status: criteria provided, single submitter. Criteria: Invitae Variant Classification Sherloc (09022015). Collection method: clinical testing. Allele origin: germline.
Comment: This sequence change falls in intron 2 of the SLC22A5 gene. It does not directly change the encoded amino acid sequence of the SLC22A5 protein. It affects a nucleotide within the consensus splice site. This variant is present in population databases (no rsID available, gnomAD 0.01%). This variant has not been reported in the literature in individuals affected with SLC22A5-related conditions. ClinVar contains an entry for this variant (Variation ID: 842848). Variants that disrupt the consensus splice site are a relatively common cause of aberrant splicing (PMID: 17576681, 9536098). Algorithms developed to predict the effect of sequence changes on RNA splicing suggest that this variant is not likely to affect RNA splicing. In summary, the available evidence is currently insufficient to determine the role of this variant in disease. Therefore, it has been classified as a Variant of Uncertain Significance.

Literature cited by the submitters: PubMed 17576681; PubMed 9536098.

NM_003060.4(SLC22A5):c.498-3C>T

Gene: SLC22A5 (solute carrier family 22 member 5; plus strand). Cytogenetic location: 5q31.1.
Variant type: single nucleotide variant.
Coding change: c.498-3C>T on transcript NM_003060.4 (MANE Select); 3 bases into the intron before coding-DNA position 498, C replaced by T.
Molecular consequence: intron variant.
Genome position (GRCh38, 1-based): chr5:132,384,144, C>T. VCF-style: chr5-132384144-C-T. GRCh37 (hg19) VCF-style: chr5-131719836-C-T.
Other names: c.570-3C>T (NM_001308122.2).
Identifiers: ClinVar variation 842848 (VCV000842848.8), dbSNP rs1483610184, ClinGen allele CA562769955.
Genomic context (GRCh38, chr5:132,384,144, plus strand): 5'-GGTGGAGCCCATTCCTGCTGCCCTTTTCCAGCTGGTTATCTGTCACTCTCCTTTTCTTCC[C>T]AGGTTTGGCCGGAAGAATGTGCTGTTCGTGACCATGGGCATGCAGACAGGCTTCAGCTTC-3'